The following is an entry in ClinVar:

ClinVar aggregate classification (germline): Uncertain significance (1 of 4 stars; one submission).

Conditions:
Intellectual disability-hypotonic facies syndrome, X-linked, 1 (MRXHF1). Also called: Smith Fineman Myers syndrome 1; HOLMES-GANG SYNDROME; CHUDLEY-LOWRY SYNDROME; Chudley syndrome 1; Chudley-Lowry-Hoar syndrome; Carpenter-Waziri syndrome. Identifiers: Orphanet 73220, Orphanet 93970, Orphanet 93971, Orphanet 93972, Orphanet 93973, Orphanet 93974, Orphanet 93975, MedGen C4759781, MONDO:0010663, OMIM 309580.

Submission:

3billion
Classification: Uncertain significance for Intellectual disability-hypotonic facies syndrome, X-linked, 1. Last evaluated: 2023-06-08. Review status: criteria provided, single submitter. Criteria: ACMG Guidelines, 2015. Collection method: clinical testing. Allele origin: germline. Affected: yes.
Comment: The variant is not observed in the gnomAD v2.1.1 dataset. Predicted Consequence/Location: Missense variant In silico tool predictions suggest damaging effect of the variant on gene or gene product (REVEL: 0.97; 3Cnet: 0.97). Different nucleotide change resulting in same amino acid change has been previously reported to be associated with ATRX related disorder(PMID: 11449489). However, the evidence of pathogenicity is insufficient at this time. Therefore, this variant is classified as VUS according to the recommendation of ACMG/AMP guideline.

Literature cited by the submitters: PubMed 11449489.

NM_000489.6(ATRX):c.787T>A (p.Trp263Arg)

Gene: ATRX (ATRX chromatin remodeler; minus strand). Cytogenetic location: Xq21.1.
Variant type: single nucleotide variant.
Coding change: c.787T>A on transcript NM_000489.6 (MANE Select); coding-DNA position 787, T replaced by A.
Protein change: p.Trp263Arg; replaces tryptophan 263 with arginine.
Molecular consequence: missense variant.
Genome position (GRCh38, 1-based): chrX:77,684,469, A>T on the plus strand (T>A on the coding strand, the complement: ATRX is on the minus strand). VCF-style: chrX-77684469-A-T. GRCh37 (hg19) VCF-style: chrX-76939961-A-T.
Other names: c.673T>A, p.Trp225Arg (NM_138270.5); short protein forms W225R, W263R.
Identifiers: ClinVar variation 3775991 (VCV003775991.1).